The following is an entry in ClinVar:

ClinVar aggregate classification (germline): Uncertain significance (1 of 4 stars; one submission).

Conditions:
X-linked agammaglobulinemia with growth hormone deficiency (IGHD3). Also called: Isolated growth hormone deficiency type 3; Growth hormone deficiency with hypogammaglobulinemia; AGAMMAGLOBULINEMIA AND ISOLATED GROWTH HORMONE DEFICIENCY, X-LINKED; FLEISHER SYNDROME; HYPOGAMMAGLOBULINEMIA AND ISOLATED GROWTH HORMONE DEFICIENCY, X-LINKED; IGHD III. Identifiers: Orphanet 231692, Orphanet 631, MedGen C0472813, MONDO:0010615, OMIM 307200.

Submission:

Labcorp Genetics (formerly Invitae), Labcorp
Classification: Uncertain significance for X-linked agammaglobulinemia with growth hormone deficiency. Last evaluated: 2024-04-06. Review status: criteria provided, single submitter. Criteria: Invitae Variant Classification Sherloc (09022015). Collection method: clinical testing. Allele origin: germline.
Comment: This sequence change replaces leucine, which is neutral and non-polar, with proline, which is neutral and non-polar, at codon 111 of the BTK protein (p.Leu111Pro). This variant is not present in population databases (gnomAD no frequency). This missense change has been observed in individual(s) with agammaglobulinemia (PMID: 17765309). Advanced modeling of protein sequence and biophysical properties (such as structural, functional, and spatial information, amino acid conservation, physicochemical variation, residue mobility, and thermodynamic stability) performed at Invitae indicates that this missense variant is expected to disrupt BTK protein function with a positive predictive value of 95%. Experimental studies have shown that this missense change affects BTK function (PMID: 22378381). This variant disrupts the p.Leu111 amino acid residue in BTK. Other variant(s) that disrupt this residue have been observed in individuals with BTK-related conditions (PMID: 11742281), which suggests that this may be a clinically significant amino acid residue. In summary, the available evidence is currently insufficient to determine the role of this variant in disease. Therefore, it has been classified as a Variant of Uncertain Significance.

Literature cited by the submitters: PubMed 17765309; PubMed 22378381; PubMed 11742281.

NM_000061.3(BTK):c.332T>C (p.Leu111Pro)

Gene: BTK (Bruton tyrosine kinase; minus strand). Cytogenetic location: Xq22.1.
Variant type: single nucleotide variant.
Coding change: c.332T>C on transcript NM_000061.3 (MANE Select); coding-DNA position 332, T replaced by C.
Protein change: p.Leu111Pro; replaces leucine 111 with proline.
Molecular consequence: missense variant.
Genome position (GRCh38, 1-based): chrX:101,370,057, A>G on the plus strand (T>C on the coding strand, the complement: BTK is on the minus strand). VCF-style: chrX-101370057-A-G. GRCh37 (hg19) VCF-style: chrX-100625045-A-G.
Other names: c.434T>C, p.Leu145Pro (NM_001287344.2); c.332T>C, p.Leu111Pro (NM_001287345.2); short protein forms L145P, L111P.
Identifiers: ClinVar variation 3724314 (VCV003724314.2).
Genomic context (GRCh38, chrX:101,370,057, plus strand): 5'-CCGTTTTTGAGCTGGTGAATCCACCGCTTCCTTAGTTCTTCAGTTGGGGAGAAGACGTAG[A>G]GAGGCCCTTCATCATATACAACCTGGGTCGATGAAAACACAGACTTCAGCAGTTAGGATT-3'
Protein context (NP_000052.1, residues 101-121): PFQVVYDEGP[Leu111Pro]YVFSPTEELR